The following is an entry in ClinVar:

ClinVar aggregate classification (germline): Benign/Likely benign. Review status: criteria provided, multiple submitters, no conflicts (2 of 4 stars). 3 submissions from 3 submitters: Benign (1); Likely benign (2). Last evaluated 2025-12-30.

Conditions:
Hereditary cancer-predisposing syndrome. Also called: Tumor predisposition; Hereditary Cancer Syndrome; Hereditary neoplastic syndrome; Neoplastic Syndromes, Hereditary. Identifiers: Orphanet 140162, MedGen C0027672, MeSH D009386, MONDO:0015356.
Tuberous sclerosis 2 (TSC2). Identifiers: Orphanet 805, MedGen C1860707, MONDO:0013199, OMIM 613254.

gnomAD v4.1: 2 of 1,613,092 alleles (0.00012%); highest among the groups gnomAD compares: Non-Finnish European, 0.00017%; no homozygotes.

Submissions (3):

Labcorp Genetics (formerly Invitae), Labcorp
Classification: Likely benign for Tuberous sclerosis 2. Last evaluated: 2025-12-30. Review status: criteria provided, single submitter. Criteria: Invitae Variant Classification Sherloc (09022015). Collection method: clinical testing. Allele origin: germline.

Myriad Genetics, Inc.
Classification: Benign for Tuberous sclerosis 2. Last evaluated: 2025-05-28. Review status: criteria provided, single submitter. Criteria: Myriad Autosomal Dominant, Autosomal Recessive and X-Linked Classification Criteria (2023). Collection method: clinical testing. Allele origin: unknown.
Comment: This variant is considered benign. This variant is a silent/synonymous amino acid change and it is not expected to impact splicing.

Ambry Genetics
Classification: Likely benign for Hereditary cancer-predisposing syndrome. Last evaluated: 2023-03-03. Review status: criteria provided, single submitter. Criteria: Ambry Variant Classification Scheme 2023. Collection method: clinical testing. Allele origin: germline.

NM_000548.5(TSC2):c.3177C>G (p.Thr1059=)

Gene: TSC2 (TSC complex subunit 2; plus strand). Cytogenetic location: 16p13.3.
Variant type: single nucleotide variant.
Coding change: c.3177C>G on transcript NM_000548.5 (MANE Select); coding-DNA position 3177, C replaced by G.
Protein change: p.Thr1059=; no amino-acid change (threonine 1059 retained).
Molecular consequence: synonymous variant.
Genome position (GRCh38, 1-based): chr16:2,079,321, C>G. VCF-style: chr16-2079321-C-G. GRCh37 (hg19) VCF-style: chr16-2129322-C-G.
Other names: c.3177C>G (NM_000548.3); c.3045C>G, p.Thr1015= (NM_001077183.3, NM_001370404.1); c.3177C>G, p.Thr1059= (NM_001114382.3); c.2937C>G, p.Thr979= (NM_001318827.2); c.2901C>G, p.Thr967= (NM_001318829.2); c.2445C>G, p.Thr815= (NM_001318831.2); c.3078C>G, p.Thr1026= (NM_001318832.2); c.3048C>G, p.Thr1016= (NM_001363528.2, NM_001370405.1, NM_021055.3).
Identifiers: ClinVar variation 1536267 (VCV001536267.10), dbSNP rs1031918517, ClinGen allele CA493042863.